The following is an entry in ClinVar:

NM_001363711.2(DUOX2):c.2233C>T (p.His745Tyr)

Gene: DUOX2 (dual oxidase 2; minus strand). Cytogenetic location: 15q21.1.
Variant type: single nucleotide variant.
Coding change: c.2233C>T on transcript NM_001363711.2 (MANE Select); coding-DNA position 2233, C replaced by T.
Protein change: p.His745Tyr; replaces histidine 745 with tyrosine.
Molecular consequence: missense variant.
Genome position (GRCh38, 1-based): chr15:45,105,744, G>A on the plus strand (C>T on the coding strand, the complement: DUOX2 is on the minus strand). VCF-style: chr15-45105744-G-A. GRCh37 (hg19) VCF-style: chr15-45397942-G-A.
Other names: c.2233C>T, p.His745Tyr (NM_014080.5); short protein forms H745Y.
Identifiers: ClinVar variation 4779565 (VCV004779565.1).
Genomic context (GRCh38, chr15:45,105,744, plus strand): 5'-CCCGCTGCTGCTTTGTCACAGCCTTCCTAAATAGCTCCTTCTCGCTCATCTCAGCCACAT[G>A]GAGGCCCAGAGCCCAGCGCACGCAGAAGTCCCATAGCTGCTGCACAAAGGCGCCCCGTTC-3'
Protein context (NP_001350640.1, residues 735-755): DFCVRWALGL[His745Tyr]VAEMSEKELF

ClinVar aggregate classification (germline): Uncertain significance (1 of 4 stars; one submission).

gnomAD v4.1: 5 of 1,614,134 alleles (0.00031%); highest among the groups gnomAD compares: Non-Finnish European, 0.00042%; no homozygotes.

Submission:

Labcorp Genetics (formerly Invitae), Labcorp
Classification: Uncertain significance. Last evaluated: 2025-12-05. Review status: criteria provided, single submitter. Criteria: Invitae Variant Classification Sherloc (09022015). Collection method: clinical testing. Allele origin: germline.
Comment: This sequence change replaces histidine, which is basic and polar, with tyrosine, which is neutral and polar, at codon 745 of the DUOX2 protein (p.His745Tyr). This variant is not present in population databases (gnomAD no frequency). This variant has not been reported in the literature in individuals affected with DUOX2-related conditions. Invitae Evidence Modeling of protein sequence and biophysical properties (such as structural, functional, and spatial information, amino acid conservation, physicochemical variation, residue mobility, and thermodynamic stability) indicates that this missense variant is not expected to disrupt DUOX2 protein function with a negative predictive value of 80%. In summary, the available evidence is currently insufficient to determine the role of this variant in disease. Therefore, it has been classified as a Variant of Uncertain Significance.